The following is an entry in ClinVar:

NM_001845.6(COL4A1):c.3300del (p.Ser1101fs)

Gene: COL4A1 (collagen type IV alpha 1 chain; minus strand). Cytogenetic location: 13q34.
Variant type: Deletion.
Coding change: c.3300del on transcript NM_001845.6 (MANE Select); coding-DNA position 3300, one base deleted (G; older notation c.3300delG).
Protein change: p.Ser1101fs; shifts the reading frame from serine 1101.
Molecular consequence: frameshift variant.
Genome position (GRCh38, 1-based): chr13:110,174,648, C deleted on the plus strand (G on the coding strand, the reverse complement: COL4A1 is on the minus strand); the first of 3 consecutive C bases (chr13:110,174,648-110,174,650); deleting any one gives the same sequence. VCF-style (leftmost placement, unchanged base first): chr13-110174647-AC-A. GRCh37 (hg19) VCF-style: chr13-110826994-AC-A.
Other names: short protein forms S1101fs.
Identifiers: ClinVar variation 2759468 (VCV002759468.3), dbSNP rs2501770952, ClinGen allele CA2697551932.
Genomic context (GRCh38, chr13:110,174,647, plus strand): 5'-GATTCCCCAAGTCCAAGAGAAGCCCCCCTCACCTACCTGGATAGCCAACACTCCCGGGAG[AC>A]CCTTTAAGGCCTGGGGACCCTGGCATTCCTGGGATCCCAATGCTTCCTTTTTCTCCCTTC-3'

ClinVar aggregate classification (germline): Pathogenic (1 of 4 stars; one submission).

Submission:

Labcorp Genetics (formerly Invitae), Labcorp
Classification: Pathogenic. Last evaluated: 2024-09-16. Review status: criteria provided, single submitter. Criteria: Invitae Variant Classification Sherloc (09022015). Collection method: clinical testing. Allele origin: germline.
Comment: This sequence change creates a premature translational stop signal (p.Ser1101Leufs*96) in the COL4A1 gene. It is expected to result in an absent or disrupted protein product. Loss-of-function variants in COL4A1 are known to be pathogenic (PMID: 23225343). This variant is not present in population databases (gnomAD no frequency). This variant has not been reported in the literature in individuals affected with COL4A1-related conditions. For these reasons, this variant has been classified as Pathogenic.

Literature cited by the submitters: PubMed 23225343.